The following is an entry in ClinVar:

NM_000929.3(PLA2G5):c.311A>C (p.His104Pro)

Gene: PLA2G5 (phospholipase A2 group V; plus strand). Cytogenetic location: 1p36.13.
Variant type: single nucleotide variant.
Coding change: c.311A>C on transcript NM_000929.3 (MANE Select); coding-DNA position 311, A replaced by C.
Protein change: p.His104Pro; replaces histidine 104 with proline.
Molecular consequence: missense variant.
Genome position (GRCh38, 1-based): chr1:20,090,586, A>C. VCF-style: chr1-20090586-A-C. GRCh37 (hg19) VCF-style: chr1-20417079-A-C.
Other names: short protein forms H104P.
Identifiers: ClinVar variation 1430630 (VCV001430630.6), dbSNP rs139906512, ClinGen allele CA18910188.

ClinVar aggregate classification (germline): Uncertain significance (1 of 4 stars; one submission).

Allele frequency attached by ClinVar (database versions not stated): ESP Exome Variant Server 0.00008.
gnomAD v4.1: 1 of 1,614,078 alleles (0.000062%); highest among the groups gnomAD compares: Non-Finnish European, 0.000085%; no homozygotes.

Submission:

Labcorp Genetics (formerly Invitae), Labcorp
Classification: Uncertain significance. Last evaluated: 2023-06-13. Review status: criteria provided, single submitter. Criteria: Invitae Variant Classification Sherloc (09022015). Collection method: clinical testing. Allele origin: germline.
Comment: This sequence change replaces histidine, which is basic and polar, with proline, which is neutral and non-polar, at codon 104 of the PLA2G5 protein (p.His104Pro). This variant is not present in population databases (gnomAD no frequency). This variant has not been reported in the literature in individuals affected with PLA2G5-related conditions. ClinVar contains an entry for this variant (Variation ID: 1430630). Algorithms developed to predict the effect of missense changes on protein structure and function output the following: SIFT: "Not Available"; PolyPhen-2: "Benign"; Align-GVGD: "Not Available". The proline amino acid residue is found in multiple mammalian species, which suggests that this missense change does not adversely affect protein function. In summary, the available evidence is currently insufficient to determine the role of this variant in disease. Therefore, it has been classified as a Variant of Uncertain Significance.